The following is an entry in ClinVar:

ClinVar aggregate classification (germline): Uncertain significance (1 of 4 stars; one submission).

Conditions:
Seizures, benign familial infantile, 3 (BFIS3). Also called: CONVULSIONS, BENIGN FAMILIAL INFANTILE, 3; Familial neonatal seizures. Identifiers: Orphanet 140927, Orphanet 306, MedGen C1843140, MONDO:0011904, OMIM 607745.
Developmental and epileptic encephalopathy, 11 (DEE11). Also called: Early infantile epileptic encephalopathy 11. Identifiers: Orphanet 1934, MedGen C3150987, MONDO:0013388, OMIM 613721.

Submission:

Labcorp Genetics (formerly Invitae), Labcorp
Classification: Uncertain significance for Seizures, benign familial infantile, 3; Developmental and epileptic encephalopathy, 11. Last evaluated: 2022-09-10. Review status: criteria provided, single submitter. Criteria: Invitae Variant Classification Sherloc (09022015). Collection method: clinical testing. Allele origin: germline.
Comment: This sequence change replaces proline, which is neutral and non-polar, with leucine, which is neutral and non-polar, at codon 190 of the SCN2A protein (p.Pro190Leu). This variant is not present in population databases (gnomAD no frequency). This variant has not been reported in the literature in individuals affected with SCN2A-related conditions. Advanced modeling of protein sequence and biophysical properties (such as structural, functional, and spatial information, amino acid conservation, physicochemical variation, residue mobility, and thermodynamic stability) performed at Invitae indicates that this missense variant is expected to disrupt SCN2A protein function. In summary, the available evidence is currently insufficient to determine the role of this variant in disease. Therefore, it has been classified as a Variant of Uncertain Significance.

NM_001040142.2(SCN2A):c.569C>T (p.Pro190Leu)

Gene: SCN2A (sodium voltage-gated channel alpha subunit 2; plus strand). Cytogenetic location: 2q24.3.
Variant type: single nucleotide variant.
Coding change: c.569C>T on transcript NM_001040142.2 (MANE Select); coding-DNA position 569, C replaced by T.
Protein change: p.Pro190Leu; replaces proline 190 with leucine.
Molecular consequence: missense variant.
Genome position (GRCh38, 1-based): chr2:165,308,758, C>T. VCF-style: chr2-165308758-C-T. GRCh37 (hg19) VCF-style: chr2-166165268-C-T.
Other names: c.569C>T, p.Pro190Leu (NM_001040143.2, NM_001371246.1, NM_001371247.1 and 1 more transcripts); short protein forms P190L.
Identifiers: ClinVar variation 1719206 (VCV001719206.6), dbSNP rs2467884104, ClinGen allele CA349016639.